The following is an entry in ClinVar:

ClinVar aggregate classification (germline): Conflicting classifications of pathogenicity. Review status: criteria provided, conflicting classifications (1 of 4 stars). 2 submissions from 2 submitters: Uncertain significance (1); Likely benign (1). Last evaluated 2024-05-08.

Conditions:
Isolated cryptophthalmia. Also called: Cryptophthalmos, unilateral or bilateral, isolated; ANKYLOBLEPHARON, SIMPLE. Identifiers: Orphanet 91396, MedGen C1852453, MONDO:0007410, OMIM 123570.
Fraser syndrome 2 (FRASRS2). Identifiers: MedGen C4540036, MONDO:0054738, OMIM 617666.

Allele frequency attached by ClinVar (database versions not stated): ExAC 0.00002; gnomAD exomes 0.00002; gnomAD 0.00005; TOPMed 0.00005; ESP Exome Variant Server 0.00015.
gnomAD v4.1: 39 of 1,614,102 alleles (0.0024%); highest among the groups gnomAD compares: Middle Eastern, 0.033%; 1 homozygote.

Submissions (2):

Fulgent Genetics
Classification: Likely benign for Isolated cryptophthalmia; Fraser syndrome 2. Last evaluated: 2024-05-08. Review status: criteria provided, single submitter. Criteria: ACMG Guidelines, 2015. Collection method: clinical testing. Allele origin: germline.

Labcorp Genetics (formerly Invitae), Labcorp
Classification: Uncertain significance. Last evaluated: 2022-08-15. Review status: criteria provided, single submitter. Criteria: Invitae Variant Classification Sherloc (09022015). Collection method: clinical testing. Allele origin: germline.
Comment: This sequence change replaces serine, which is neutral and polar, with glycine, which is neutral and non-polar, at codon 1546 of the FREM2 protein (p.Ser1546Gly). This variant is present in population databases (rs137891381, gnomAD 0.003%). This variant has not been reported in the literature in individuals affected with FREM2-related conditions. Algorithms developed to predict the effect of missense changes on protein structure and function output the following: SIFT: "Tolerated"; PolyPhen-2: "Benign"; Align-GVGD: "Class C0". The glycine amino acid residue is found in multiple mammalian species, which suggests that this missense change does not adversely affect protein function. In summary, the available evidence is currently insufficient to determine the role of this variant in disease. Therefore, it has been classified as a Variant of Uncertain Significance.

NM_207361.6(FREM2):c.4636A>G (p.Ser1546Gly)

Gene: FREM2 (FRAS1 related extracellular matrix 2; plus strand). Cytogenetic location: 13q13.3.
Variant type: single nucleotide variant.
Coding change: c.4636A>G on transcript NM_207361.6 (MANE Select); coding-DNA position 4636, A replaced by G.
Protein change: p.Ser1546Gly; replaces serine 1546 with glycine.
Molecular consequence: missense variant.
Genome position (GRCh38, 1-based): chr13:38,691,980, A>G. VCF-style: chr13-38691980-A-G. GRCh37 (hg19) VCF-style: chr13-39266117-A-G.
Other names: short protein forms S1546G.
Identifiers: ClinVar variation 1900824 (VCV001900824.3), dbSNP rs137891381, ClinGen allele CA6955041.